The following is an entry in ClinVar:

NM_020549.5(CHAT):c.1033G>A (p.Glu345Lys)

Gene: CHAT (choline O-acetyltransferase; plus strand). Cytogenetic location: 10q11.23.
Variant type: single nucleotide variant.
Coding change: c.1033G>A on transcript NM_020549.5 (MANE Select); coding-DNA position 1033, G replaced by A.
Protein change: p.Glu345Lys; replaces glutamic acid 345 with lysine.
Molecular consequence: missense variant.
Genome position (GRCh38, 1-based): chr10:49,627,707, G>A. VCF-style: chr10-49627707-G-A. GRCh37 (hg19) VCF-style: chr10-50835753-G-A.
Other names: c.679G>A, p.Glu227Lys (NM_001142929.2, NM_001142934.2, NM_020984.4 and 2 more transcripts); c.787G>A, p.Glu263Lys (NM_001142933.2); short protein forms E345K, E227K, E263K.
Identifiers: ClinVar variation 842115 (VCV000842115.11), dbSNP rs200776329, ClinGen allele CA5497336.

ClinVar aggregate classification (germline): Uncertain significance. Review status: criteria provided, multiple submitters, no conflicts (2 of 4 stars). 3 submissions from 3 submitters: Uncertain significance (3). Last evaluated 2024-04-02.

Conditions:
Inborn genetic diseases. Identifiers: MedGen C0950123, MeSH D030342.
Familial infantile myasthenia (CMS6). Also called: MYASTHENIC SYNDROME, PRESYNAPTIC, CONGENITAL, ASSOCIATED WITH EPISODIC APNEA; Congenital myasthenic syndrome type 6; MYASTHENIC SYNDROME, CONGENITAL, 6, PRESYNAPTIC. Identifiers: Orphanet 590, MedGen C0393929, MONDO:0009689, OMIM 254210.

Allele frequency attached by ClinVar (database versions not stated): gnomAD 0.00001; gnomAD exomes 0.00001 and 0.00002; ExAC 0.00002; TOPMed 0.00002; 1000 Genomes Project 30x 0.00016; 1000 Genomes Project 0.00020.
gnomAD v4.1: 29 of 1,614,120 alleles (0.0018%); highest among the groups gnomAD compares: East Asian, 0.049%; no homozygotes.

Submissions (3):

Blueprint Genetics
Classification: Uncertain significance. Last evaluated: 2024-04-02. Review status: criteria provided, single submitter. Criteria: ACMG Guidelines, 2015. Collection method: clinical testing. Allele origin: germline.

Ambry Genetics
Classification: Uncertain significance for Inborn genetic diseases. Last evaluated: 2023-01-10. Review status: criteria provided, single submitter. Criteria: Ambry Variant Classification Scheme 2023. Collection method: clinical testing. Allele origin: germline.

Labcorp Genetics (formerly Invitae), Labcorp
Classification: Uncertain significance for Familial infantile myasthenia. Last evaluated: 2022-08-16. Review status: criteria provided, single submitter. Criteria: Invitae Variant Classification Sherloc (09022015). Collection method: clinical testing. Allele origin: germline.
Comment: This sequence change replaces glutamic acid, which is acidic and polar, with lysine, which is basic and polar, at codon 345 of the CHAT protein (p.Glu345Lys). This variant is present in population databases (rs200776329, gnomAD 0.006%). This variant has not been reported in the literature in individuals affected with CHAT-related conditions. ClinVar contains an entry for this variant (Variation ID: 842115). Advanced modeling of protein sequence and biophysical properties (such as structural, functional, and spatial information, amino acid conservation, physicochemical variation, residue mobility, and thermodynamic stability) performed at Invitae indicates that this missense variant is not expected to disrupt CHAT protein function. In summary, the available evidence is currently insufficient to determine the role of this variant in disease. Therefore, it has been classified as a Variant of Uncertain Significance.